The following is an entry in ClinVar:

NM_006949.4(STXBP2):c.87G>A (p.Lys29=)

Gene: STXBP2 (syntaxin binding protein 2; plus strand). Cytogenetic location: 19p13.2.
Variant type: single nucleotide variant.
Coding change: c.87G>A on transcript NM_006949.4 (MANE Select); coding-DNA position 87, G replaced by A.
Protein change: p.Lys29=; no amino-acid change (lysine 29 retained).
Molecular consequence: synonymous variant. On other transcripts: non-coding transcript variant (1).
Genome position (GRCh38, 1-based): chr19:7,638,775, G>A. VCF-style: chr19-7638775-G-A. GRCh37 (hg19) VCF-style: chr19-7703661-G-A.
Other names: c.87G>A, p.Lys29= (NM_001127396.3, NM_001272034.2).
Identifiers: ClinVar variation 1433928 (VCV001433928.6), dbSNP rs2146206226, ClinGen allele CA505236131.

ClinVar aggregate classification (germline): Uncertain significance (1 of 4 stars; one submission).

Conditions:
Familial hemophagocytic lymphohistiocytosis 5. Also called: STXBP2-Related Familial Hemophagocytic Lymphohistiocytosis (STXBP2-fHLH). Identifiers: Orphanet 540, MedGen C2751293, MONDO:0013135, OMIM 613101.

Allele frequency attached by ClinVar (database versions not stated): gnomAD exomes below 0.00001.
gnomAD v4.1: 1 of 1,614,182 alleles (0.000062%); highest among the groups gnomAD compares: Non-Finnish European, 0.000085%; no homozygotes.

Submission:

Labcorp Genetics (formerly Invitae), Labcorp
Classification: Uncertain significance for Familial hemophagocytic lymphohistiocytosis 5. Last evaluated: 2021-06-17. Review status: criteria provided, single submitter. Criteria: Invitae Variant Classification Sherloc (09022015). Collection method: clinical testing. Allele origin: germline.
Comment: Nucleotide substitutions within the consensus splice site are a relatively common cause of aberrant splicing (PMID: 17576681, 9536098). Algorithms developed to predict the effect of sequence changes on RNA splicing suggest that this variant may disrupt the consensus splice site, but this prediction has not been confirmed by published transcriptional studies. In summary, the available evidence is currently insufficient to determine the role of this variant in disease. Therefore, it has been classified as a Variant of Uncertain Significance. This variant has not been reported in the literature in individuals with STXBP2-related conditions. This variant is not present in population databases (ExAC no frequency). This sequence change affects codon 29 of the STXBP2 mRNA. It is a 'silent' change, meaning that it does not change the encoded amino acid sequence of the STXBP2 protein. This variant also falls at the last nucleotide of exon 2, which is part of the consensus splice site for this exon.

Literature cited by the submitters: PubMed 17576681; PubMed 9536098.